The following is an entry in ClinVar:

ClinVar aggregate classification (germline): Likely pathogenic (1 of 4 stars; one submission).

Conditions:
Charlevoix-Saguenay spastic ataxia (SACS). Also called: AUTOSOMAL RECESSIVE SPASTIC ATAXIA OF CHARLEVOIX-SAGUENAY; Spastic ataxia of Charlevoix-Saguenay; SPASTIC ATAXIA 6, AUTOSOMAL RECESSIVE. Identifiers: Orphanet 98, MedGen C1849140, MONDO:0010041, OMIM 270550.

Submission:

3billion
Classification: Likely pathogenic for Charlevoix-Saguenay spastic ataxia. Review status: criteria provided, single submitter. Criteria: ACMG Guidelines, 2015. Collection method: clinical testing. Allele origin: unknown. Affected: yes. Observed: 1 heterozygote.
Comment: The variant is not observed in the gnomAD v2.1.1 dataset. The variant is predicted to result in a loss or disruption of normal protein function through protein truncation. The predicted truncated protein may be shortened by more than 10%. Therefore, this variant is classified as Likely pathogenic according to the recommendation of ACMG/AMP guideline.

NM_014363.6(SACS):c.7634del (p.Met2545fs)

Gene: SACS (sacsin molecular chaperone; minus strand). Cytogenetic location: 13q12.12.
Variant type: Deletion.
Coding change: c.7634del on transcript NM_014363.6 (MANE Select); coding-DNA position 7634, one base deleted (T; older notation c.7634delT).
Protein change: p.Met2545fs; shifts the reading frame from methionine 2545.
Molecular consequence: frameshift variant.
Genome position (GRCh38, 1-based): chr13:23,336,242, A deleted on the plus strand (T on the coding strand, the reverse complement: SACS is on the minus strand). VCF-style (leftmost placement, unchanged base first): chr13-23336241-CA-C. GRCh37 (hg19) VCF-style: chr13-23910380-CA-C.
Other names: c.7193del, p.Met2398fs (NM_001278055.2); short protein forms M2398fs, M2545fs.
Identifiers: ClinVar variation 2572587 (VCV002572587.1), dbSNP rs2542231195, ClinGen allele CA2580614622.
Genomic context (GRCh38, chr13:23,336,241, plus strand): 5'-AAACACAAAACAGATTTCTGTCGCCTTTGCATCATCAGCATTTTGAAGAAGCTCTTTCAA[CA>C]TTTCCTTTTCAGAAGGATATGCATTAAGGATGCTCTTAATTCTGCTGGTCAATTTTTCTT-3'